The following is an entry in ClinVar:

NM_130837.3(OPA1):c.316G>C (p.Gly106Arg)

Gene: OPA1 (OPA1 mitochondrial dynamin like GTPase; plus strand). Cytogenetic location: 3q29.
Variant type: single nucleotide variant.
Coding change: c.316G>C on transcript NM_130837.3 (MANE Select); coding-DNA position 316, G replaced by C.
Protein change: p.Gly106Arg; replaces glycine 106 with arginine.
Molecular consequence: missense variant. On other transcripts: 5 prime UTR variant (2).
Genome position (GRCh38, 1-based): chr3:193,615,006, G>C. VCF-style: chr3-193615006-G-C. GRCh37 (hg19) VCF-style: chr3-193332795-G-C.
Other names: c.-57G>C (NM_001354663.2, NM_001354664.2); c.316G>C, p.Gly106Arg (NM_015560.3, NM_130831.3, NM_130832.3 and 4 more transcripts); short protein forms G106R.
Identifiers: ClinVar variation 2065250 (VCV002065250.4), dbSNP rs781501736, ClinGen allele CA2758977.

ClinVar aggregate classification (germline): Uncertain significance (1 of 4 stars; one submission).

Allele frequency attached by ClinVar (database versions not stated): ExAC 0.00001.

Submission:

Labcorp Genetics (formerly Invitae), Labcorp
Classification: Uncertain significance. Last evaluated: 2022-09-19. Review status: criteria provided, single submitter. Criteria: Invitae Variant Classification Sherloc (09022015). Collection method: clinical testing. Allele origin: germline.
Comment: This sequence change replaces glycine, which is neutral and non-polar, with arginine, which is basic and polar, at codon 106 of the OPA1 protein (p.Gly106Arg). This variant is present in population databases (rs781501736, gnomAD 0.0009%). This variant has not been reported in the literature in individuals affected with OPA1-related conditions. Advanced modeling of protein sequence and biophysical properties (such as structural, functional, and spatial information, amino acid conservation, physicochemical variation, residue mobility, and thermodynamic stability) performed at Invitae indicates that this missense variant is expected to disrupt OPA1 protein function. In summary, the available evidence is currently insufficient to determine the role of this variant in disease. Therefore, it has been classified as a Variant of Uncertain Significance.